The following is an entry in ClinVar:

ClinVar aggregate classification (germline): Uncertain significance (1 of 4 stars; one submission).

Allele frequency attached by ClinVar (database versions not stated): gnomAD 0.00001; TOPMed 0.00001.
gnomAD v4.1: 25 of 1,613,866 alleles (0.0015%); highest among the groups gnomAD compares: Non-Finnish European, 0.0019%; no homozygotes.

Submission:

Labcorp Genetics (formerly Invitae), Labcorp
Classification: Uncertain significance. Last evaluated: 2025-03-17. Review status: criteria provided, single submitter. Criteria: Invitae Variant Classification Sherloc (09022015). Collection method: clinical testing. Allele origin: germline.
Comment: This sequence change creates a premature translational stop signal (p.Arg351*) in the TRPC3 gene. It is expected to result in an absent or disrupted protein product. However, the current clinical and genetic evidence is not sufficient to establish whether loss-of-function variants in TRPC3 cause disease. This variant is present in population databases (no rsID available, gnomAD 0.002%). This variant has not been reported in the literature in individuals affected with TRPC3-related conditions. ClinVar contains an entry for this variant (Variation ID: 2167458). In summary, the available evidence is currently insufficient to determine the role of this variant in disease. Therefore, it has been classified as a Variant of Uncertain Significance.

NM_001130698.2(TRPC3):c.1051C>T (p.Arg351Ter)

Gene: TRPC3 (transient receptor potential cation channel subfamily C member 3; minus strand). Cytogenetic location: 4q27.
Variant type: single nucleotide variant.
Coding change: c.1051C>T on transcript NM_001130698.2 (MANE Select); coding-DNA position 1051, C replaced by T.
Protein change: p.Arg351Ter; replaces arginine 351 with a stop codon.
Molecular consequence: nonsense.
Genome position (GRCh38, 1-based): chr4:121,925,143, G>A on the plus strand (C>T on the coding strand, the complement: TRPC3 is on the minus strand). VCF-style: chr4-121925143-G-A. GRCh37 (hg19) VCF-style: chr4-122846298-G-A.
Other names: c.1051C>T, p.Arg351Ter (NM_001366479.2); c.832C>T, p.Arg278Ter (NM_003305.2); short protein forms R278*, R351*.
Identifiers: ClinVar variation 2167458 (VCV002167458.4), dbSNP rs1403632056, ClinGen allele CA358045043.